The following is an entry in ClinVar:

ClinVar aggregate classification (germline): Uncertain significance. Review status: criteria provided, multiple submitters, no conflicts (2 of 4 stars). 2 submissions from 2 submitters: Uncertain significance (2). Last evaluated 2023-09-17.

Conditions:
Cardiomyopathy (CMYO). Also called: Cardiomyopathies. Identifiers: Orphanet 167848, MedGen C0878544, MONDO:0004994, HP:0001638. Inheritance: Various modes of inheritance.
Hypertrophic cardiomyopathy. Also called: HYPERTROPHIC MYOCARDIOPATHY. Identifiers: Orphanet 217569, MedGen C0007194, MeSH D002312, MONDO:0005045, HP:0001639.

Allele frequency attached by ClinVar (database versions not stated): gnomAD exomes below 0.00001; TOPMed below 0.00001; gnomAD 0.00001.
gnomAD v4.1: 4 of 1,614,120 alleles (0.00025%); highest among the groups gnomAD compares: Non-Finnish European, 0.00034%; no homozygotes.

Submissions (2):

All of Us Research Program, National Institutes of Health
Classification: Uncertain significance for Cardiomyopathy. Last evaluated: 2023-09-17. Review status: criteria provided, single submitter. Criteria: ACMG Guidelines, 2015. Collection method: clinical testing. Allele origin: germline. Inheritance: Autosomal dominant inheritance. Observed: 1 variant allele, 1 heterozygote.
Comment: This missense variant replaces alanine with valine at codon 1910 of the MYH7 protein. Computational prediction suggests that this variant may have deleterious impact on protein structure and function (internally defined REVEL score threshold >= 0.7, PMID: 27666373). To our knowledge, functional studies have not been reported for this variant. This variant has not been reported in individuals affected with MYH7-related disorders in the literature. This variant has not been identified in the general population by the Genome Aggregation Database (gnomAD). The available evidence is insufficient to determine the role of this variant in disease conclusively. Therefore, this variant is classified as a Variant of Uncertain Significance.

This study involves interpretation of variants in research participants for the purpose of population health screening. Participant phenotype was not available at the time of variant classification. Additional details can be found in publication PMID: 35346344, PMCID: PMC8962531

Labcorp Genetics (formerly Invitae), Labcorp
Classification: Uncertain significance for Hypertrophic cardiomyopathy. Last evaluated: 2021-08-31. Review status: criteria provided, single submitter. Criteria: Invitae Variant Classification Sherloc (09022015). Collection method: clinical testing. Allele origin: germline.
Comment: This sequence change replaces alanine with valine at codon 1910 of the MYH7 protein (p.Ala1910Val). The alanine residue is highly conserved and there is a small physicochemical difference between alanine and valine. This variant is not present in population databases (ExAC no frequency). This variant has not been reported in the literature in individuals affected with MYH7-related conditions. Algorithms developed to predict the effect of missense changes on protein structure and function are either unavailable or do not agree on the potential impact of this missense change (SIFT: "Deleterious"; PolyPhen-2: "Probably Damaging"; Align-GVGD: "Class C0"). In summary, the available evidence is currently insufficient to determine the role of this variant in disease. Therefore, it has been classified as a Variant of Uncertain Significance.

NM_000257.4(MYH7):c.5729C>T (p.Ala1910Val)

Gene: MYH7 (myosin heavy chain 7; minus strand). Cytogenetic location: 14q11.2.
Variant type: single nucleotide variant.
Coding change: c.5729C>T on transcript NM_000257.4 (MANE Select); coding-DNA position 5729, C replaced by T.
Protein change: p.Ala1910Val; replaces alanine 1910 with valine.
Molecular consequence: missense variant.
Genome position (GRCh38, 1-based): chr14:23,413,820, G>A on the plus strand (C>T on the coding strand, the complement: MYH7 is on the minus strand). VCF-style: chr14-23413820-G-A. GRCh37 (hg19) VCF-style: chr14-23883029-G-A.
Other names: short protein forms A1910V.
Identifiers: ClinVar variation 524994 (VCV000524994.6), dbSNP rs1454105335, ClinGen allele CA389034598.